The following is an entry in ClinVar:

NM_033380.3(COL4A5):c.546+2T>G

Gene: COL4A5 (collagen type IV alpha 5 chain; plus strand). Cytogenetic location: Xq22.3.
Variant type: single nucleotide variant.
Coding change: c.546+2T>G on transcript NM_033380.3 (MANE Select); the canonical splice donor site of the intron after coding-DNA position 546, T replaced by G.
Molecular consequence: splice donor variant.
Genome position (GRCh38, 1-based): chrX:108,573,656, T>G. VCF-style: chrX-108573656-T-G. GRCh37 (hg19) VCF-style: chrX-107816886-T-G.
Other names: c.546+2T>G (NM_000495.5).
Identifiers: ClinVar variation 974471 (VCV000974471.4), dbSNP rs2066101487, ClinGen allele CA413921167.
Genomic context (GRCh38, chrX:108,573,656, plus strand): 5'-TGTCATCACTGCCAGGACCAAAGGGTAATCCAGGATATCCAGGTCCTCCTGGAATACAAG[T>G]AAGTATCCAGTGATTTTCTTTTTTTGCTATATTGATTAAACCAGAAGATTACAACAATCC-3'

ClinVar aggregate classification (germline): Pathogenic. Review status: criteria provided, multiple submitters, no conflicts (2 of 4 stars). 2 submissions from 2 submitters: Pathogenic (2). Last evaluated 2025-12-24.

Conditions:
X-linked Alport syndrome (ATS1). Also called: COL4A5-Related Nephropathy; NEPHROPATHY AND DEAFNESS, X-LINKED. Identifiers: Orphanet 63, Orphanet 88917, MedGen C4746986, MONDO:0010520, OMIM 301050.

Submissions (2):

Labcorp Genetics (formerly Invitae), Labcorp
Classification: Pathogenic. Last evaluated: 2025-12-24. Review status: criteria provided, single submitter. Criteria: Invitae Variant Classification Sherloc (09022015). Collection method: clinical testing. Allele origin: germline.
Comment: This sequence change affects a donor splice site in intron 9 of the COL4A5 gene. It is expected to disrupt RNA splicing. Variants that disrupt the donor or acceptor splice site typically lead to a loss of protein function (PMID: 16199547), and loss-of-function variants in COL4A5 are known to be pathogenic (PMID: 9195222, 10752524, 14514738, 24854265, 26809805). This variant is not present in population databases (gnomAD no frequency). Disruption of this splice site has been observed in individuals with clinical features of Alport syndrome (PMID: 33532864; internal data). ClinVar contains an entry for this variant (Variation ID: 974471). Algorithms developed to predict the effect of sequence changes on RNA splicing suggest that this variant may disrupt the consensus splice site. For these reasons, this variant has been classified as Pathogenic.

Molecular Biology Laboratory, Fundació Puigvert
Classification: Pathogenic for X-linked Alport syndrome. Last evaluated: 2020-02-01. Review status: criteria provided, single submitter. Criteria: ACMG Guidelines, 2015. Collection method: research. Allele origin: maternal. Affected: yes. Study: KidneyPanel_2020.

Literature cited by the submitters: PubMed 16199547 (cited by Labcorp Genetics (formerly Invitae), Labcorp); PubMed 9195222 (cited by Labcorp Genetics (formerly Invitae), Labcorp); PubMed 10752524 (cited by Labcorp Genetics (formerly Invitae), Labcorp); PubMed 14514738 (cited by Labcorp Genetics (formerly Invitae), Labcorp); PubMed 24854265 (cited by Labcorp Genetics (formerly Invitae), Labcorp); PubMed 26809805 (cited by Labcorp Genetics (formerly Invitae), Labcorp); PubMed 33532864 (cited by Labcorp Genetics (formerly Invitae), Labcorp and Molecular Biology Laboratory, Fundació Puigvert).